The following is an entry in ClinVar:

NM_001267550.2(TTN):c.1489G>T (p.Glu497Ter)

Gene: TTN (titin; minus strand). Cytogenetic location: 2q31.2.
Variant type: single nucleotide variant.
Coding change: c.1489G>T on transcript NM_001267550.2 (MANE Select); coding-DNA position 1489, G replaced by T.
Protein change: p.Glu497Ter; replaces glutamic acid 497 with a stop codon.
Molecular consequence: nonsense.
Genome position (GRCh38, 1-based): chr2:178,793,451, C>A on the plus strand (G>T on the coding strand, the complement: TTN is on the minus strand). VCF-style: chr2-178793451-C-A. GRCh37 (hg19) VCF-style: chr2-179658178-C-A.
Other names: p.Glu497*; c.1489G>T, p.Glu497Ter (NM_133432.3, NM_133437.4, NM_001256850.1 and 3 more transcripts); short protein forms E497*.
Identifiers: ClinVar variation 1045386 (VCV001045386.15), dbSNP rs1185562018, ClinGen allele CA349512971.

ClinVar aggregate classification (germline): Likely pathogenic. Review status: criteria provided, multiple submitters, no conflicts (2 of 4 stars). 4 submissions from 4 submitters: Likely pathogenic (4). Last evaluated 2026-01-11.

Conditions:
TTN-related disorder. Also called: TTN-related condition; TTN-related disease; TTN-related disorders.
Dilated cardiomyopathy 1G (CMD1G). Identifiers: Orphanet 154, MedGen C1858763, MONDO:0011400, OMIM 604145.
Autosomal recessive limb-girdle muscular dystrophy type 2J (LGMDR10). Also called: Limb-girdle muscular dystrophy, type 2J; MUSCULAR DYSTROPHY, LIMB-GIRDLE, AUTOSOMAL RECESSIVE 10. Identifiers: Orphanet 140922, MedGen C1837342, MONDO:0012127, OMIM 608807.
Primary dilated cardiomyopathy (DCM). Also called: Dilated Cardiomyopathy. Identifiers: Orphanet 217604, MedGen C0007193, MeSH D002311, MONDO:0005021, HP:0001644. Inheritance: Various modes of inheritance.

Allele frequency attached by ClinVar (database versions not stated): TOPMed below 0.00001; gnomAD 0.00001.
gnomAD v4.1: 1 of 1,614,032 alleles (0.000062%); highest among the groups gnomAD compares: African/African-American, 0.0013%; no homozygotes.

Submissions (4):

Labcorp Genetics (formerly Invitae), Labcorp
Classification: Likely pathogenic for Dilated cardiomyopathy 1G; Autosomal recessive limb-girdle muscular dystrophy type 2J. Last evaluated: 2026-01-11. Review status: criteria provided, single submitter. Criteria: Invitae Variant Classification Sherloc (09022015). Collection method: clinical testing. Allele origin: germline.
Comment: This sequence change creates a premature translational stop signal (p.Glu497*) in the TTN gene. While this is not anticipated to result in nonsense mediated decay, it is expected to create a truncated TTN protein. This variant is not present in population databases (gnomAD no frequency). This variant has not been observed in the literature in individuals with autosomal recessive TTN-related conditions. This variant has been reported in individual(s) with arrhythmia and/or dilated cardiomyopathy (PMID: 30061524, 31251381, 31983221); however, the role of the variant in this condition is currently unclear. ClinVar contains an entry for this variant (Variation ID: 1045386). Algorithms developed to predict the effect of sequence changes on RNA splicing suggest that this variant may disrupt the consensus splice site. This variant is located in the Z band of TTN (PMID: 25589632). Truncating variants in this region have been reported in individuals affected with autosomal recessive centronuclear myopathy (PMID: 33449170, internal data). Truncating variants in this region have also been identified in individuals affected with autosomal dominant dilated cardiomyopathy and/or cardio-related conditions (PMID: 27869827, 32964742, internal data). In summary, the currently available evidence indicates that the variant is pathogenic, but additional data are needed to prove that conclusively. Therefore, this variant has been classified as Likely Pathogenic.

PreventionGenetics, part of Exact Sciences
Classification: Likely pathogenic for TTN-related condition. Last evaluated: 2025-10-17. Review status: criteria provided, single submitter. Criteria: ACMG Guidelines, 2015. Collection method: clinical testing. Allele origin: germline.
Comment: The TTN c.1489G>T variant is predicted to result in premature protein termination (p.Glu497*). This variant has been reported in 3 separate cohorts for dilated cardiomyopathies (Table e2, Corden et al. 2019. PubMed ID: 31251381; Table S3, Mazzarotto et al. 2020. PubMed ID: 31983221; Table S9, McGurk et al. 2023. PubMed ID: 37652022). This variant is located in the TTN protein Z-disk region. RNAseq studies from heart tissue indicate this exon is commonly included in TTN mRNA transcripts (PSI of 95%-100%, Roberts et al. 2015. PubMed ID: 25589632). TTN loss-of-function variants occurring in constitutively expressed exons (PSI > 90%) are more likely to be disease causing for TTN cardiac-related disorders regardless of band location (Roberts et al. 2015. PubMed ID: 25589632; Schafer et al. 2017. PubMed ID: 27869827; Akhtar et al. 2020. PubMed ID: 32964742). Many cases of recessive TTN-related myopathies in which the individual is compound heterozygous for two loss-of-function variants in TTN have also been reported (Ge et al. 2019. PubMed ID: 31053406; Oates et al. 2018. PubMed ID: 29691892; Rees et al. 2021. PubMed ID: 33449170). In summary, this variant is categorized as likely pathogenic for increased risk of TTN-related cardiac disorders, and also for autosomal recessive TTN-related congenital titinopathies.

Mayo Clinic Laboratories, Mayo Clinic
Classification: Likely pathogenic. Last evaluated: 2025-02-05. Review status: criteria provided, single submitter. Criteria: ACMG Guidelines, 2015. Collection method: clinical testing. Allele origin: germline. Observed: 1 variant allele.
Comment: PM2_supporting, PVS1

Laboratory for Molecular Medicine, Mass General Brigham Personalized Medicine
Classification: Likely pathogenic for Primary dilated cardiomyopathy. Last evaluated: 2018-07-25. Review status: criteria provided, single submitter. Criteria: ACMG Guidelines, 2015. Collection method: clinical testing. Allele origin: germline.
Comment: The p.Glu497X variant in TTN has not been previously reported in individuals with DCM and was absent from large population studies. This nonsense variant leads to a premature termination codon at position 497, which is predicted to lead to a truncated or absent protein. Nonsense and other truncating variants in TTN are strongly associated with DCM if they are located in an exon that is highly expressed in the heart (Roberts 2015). The p.Glu497X variant is located in Z-band in the highly expressed exon 9. In summary, although additional studies are required to fully establish its clinical significance, the p.Glu497X variant is likely pathogenic. ACMG/AMP criteria applied: PVS1, PM2.

Literature cited by the submitters: PubMed 30061524 (cited by Labcorp Genetics (formerly Invitae), Labcorp and Mayo Clinic Laboratories, Mayo Clinic); PubMed 31251381 (cited by Labcorp Genetics (formerly Invitae), Labcorp and Mayo Clinic Laboratories, Mayo Clinic); PubMed 31983221 (cited by Labcorp Genetics (formerly Invitae), Labcorp and Mayo Clinic Laboratories, Mayo Clinic); PubMed 25589632 (cited by Labcorp Genetics (formerly Invitae), Labcorp and Mayo Clinic Laboratories, Mayo Clinic); PubMed 33449170 (cited by Labcorp Genetics (formerly Invitae), Labcorp); PubMed 27869827 (cited by Labcorp Genetics (formerly Invitae), Labcorp); PubMed 32964742 (cited by Labcorp Genetics (formerly Invitae), Labcorp); PubMed 22335739 (cited by Mayo Clinic Laboratories, Mayo Clinic); PubMed 27493940 (cited by Mayo Clinic Laboratories, Mayo Clinic); PubMed 31691645 (cited by Mayo Clinic Laboratories, Mayo Clinic); PubMed 32778822 (cited by Mayo Clinic Laboratories, Mayo Clinic); PubMed 34576040 (cited by Mayo Clinic Laboratories, Mayo Clinic); PubMed 35177841 (cited by Mayo Clinic Laboratories, Mayo Clinic); PubMed 35281752 (cited by Mayo Clinic Laboratories, Mayo Clinic); PubMed 37652022 (cited by Mayo Clinic Laboratories, Mayo Clinic).